The following is an entry in ClinVar:

NM_004364.5(CEBPA):c.527C>G (p.Ala176Gly)

Gene: CEBPA (CCAAT enhancer binding protein alpha; minus strand). Cytogenetic location: 19q13.11.
Variant type: single nucleotide variant.
Coding change: c.527C>G on transcript NM_004364.5 (MANE Select); coding-DNA position 527, C replaced by G.
Protein change: p.Ala176Gly; replaces alanine 176 with glycine.
Molecular consequence: missense variant.
Genome position (GRCh38, 1-based): chr19:33,301,888, G>C on the plus strand (C>G on the coding strand, the complement: CEBPA is on the minus strand). VCF-style: chr19-33301888-G-C. GRCh37 (hg19) VCF-style: chr19-33792794-G-C.
Other names: c.170C>G, p.Ala57Gly (NM_001285829.2); c.632C>G, p.Ala211Gly (NM_001287424.2); c.485C>G, p.Ala162Gly (NM_001287435.2); short protein forms A176G, A57G, A162G, A211G.
Identifiers: ClinVar variation 1379526 (VCV001379526.8), dbSNP rs957167825, ClinGen allele CA405274760.

ClinVar aggregate classification (germline): Uncertain significance (1 of 4 stars; one submission).

Conditions:
Acute myeloid leukemia (AML). Also called: Leukemia, acute myeloid, somatic; Leukemia, acute myelogenous, somatic; Acute myeloid leukemia, adult; AML adult; Acute non-lymphocytic leukemia; Acute granulocytic leukemia. Identifiers: Orphanet 519, MedGen C0023467, MeSH D015470, MONDO:0018874, OMIM 601626, HP:0004808. Disease mechanism: Constitutively activated FLT3.

Submission:

Labcorp Genetics (formerly Invitae), Labcorp
Classification: Uncertain significance for Acute myeloid leukemia. Last evaluated: 2021-01-18. Review status: criteria provided, single submitter. Criteria: Invitae Variant Classification Sherloc (09022015). Collection method: clinical testing. Allele origin: germline.
Comment: This variant has not been reported in the literature in individuals with CEBPA-related conditions. In summary, the available evidence is currently insufficient to determine the role of this variant in disease. Therefore, it has been classified as a Variant of Uncertain Significance. Algorithms developed to predict the effect of missense changes on protein structure and function (SIFT, PolyPhen-2, Align-GVGD) all suggest that this variant is likely to be tolerated, but these predictions have not been confirmed by published functional studies and their clinical significance is uncertain. The frequency data for this variant in the population databases is considered unreliable, as metrics indicate insufficient coverage at this position in the ExAC database. This sequence change replaces alanine with glycine at codon 176 of the CEBPA protein (p.Ala176Gly). The alanine residue is moderately conserved and there is a small physicochemical difference between alanine and glycine.